The following is an entry in ClinVar:

ClinVar aggregate classification (germline): Uncertain significance (1 of 4 stars; one submission).

Conditions:
Spondylocostal dysostosis 3, autosomal recessive (SCDO3). Also called: LFNG-Related Spondylocostal Dysostosis, Autosomal Recessive. Identifiers: Orphanet 2311, MedGen C1853296, MONDO:0012349, OMIM 609813.

Allele frequency attached by ClinVar (database versions not stated): gnomAD exomes below 0.00001 and 0.00001.
gnomAD v4.1: 12 of 1,610,044 alleles (0.00075%); highest among the groups gnomAD compares: Non-Finnish European, 0.001%; no homozygotes.

Submission:

Labcorp Genetics (formerly Invitae), Labcorp
Classification: Uncertain significance for Spondylocostal dysostosis 3, autosomal recessive. Last evaluated: 2018-07-12. Review status: criteria provided, single submitter. Criteria: Invitae Variant Classification Sherloc (09022015). Collection method: clinical testing. Allele origin: germline.
Comment: This variant is not present in population databases (ExAC no frequency). In summary, the available evidence is currently insufficient to determine the role of this variant in disease. Therefore, it has been classified as a Variant of Uncertain Significance. Algorithms developed to predict the effect of missense changes on protein structure and function are either unavailable or do not agree on the potential impact of this missense change (SIFT: "Deleterious"; PolyPhen-2: "Probably Damaging"; Align-GVGD: "Class C15"). This variant has not been reported in the literature in individuals with LFNG-related disease. This sequence change replaces glutamic acid with valine at codon 338 of the LFNG protein (p.Glu338Val). The glutamic acid residue is highly conserved and there is a moderate physicochemical difference between glutamic acid and valine.

NM_001040167.2(LFNG):c.1013A>T (p.Glu338Val)

Gene: LFNG (LFNG O-fucosylpeptide 3-beta-N-acetylglucosaminyltransferase; plus strand). Cytogenetic location: 7p22.3.
Variant type: single nucleotide variant.
Coding change: c.1013A>T on transcript NM_001040167.2 (MANE Select); coding-DNA position 1013, A replaced by T.
Protein change: p.Glu338Val; replaces glutamic acid 338 with valine.
Molecular consequence: missense variant.
Genome position (GRCh38, 1-based): chr7:2,526,861, A>T. VCF-style: chr7-2526861-A-T. GRCh37 (hg19) VCF-style: chr7-2566495-A-T.
Other names: c.1013A>T, p.Glu338Val (NM_001040168.2); c.800A>T, p.Glu267Val (NM_001166355.2); c.626A>T, p.Glu209Val (NM_002304.3); short protein forms E267V, E209V, E338V.
Identifiers: ClinVar variation 661901 (VCV000661901.8), dbSNP rs770620949, ClinGen allele CA152652153.